The following is an entry in ClinVar:

ClinVar aggregate classification (germline): Uncertain significance. Review status: criteria provided, multiple submitters, no conflicts (2 of 4 stars). 2 submissions from 2 submitters: Uncertain significance (2). Last evaluated 2024-08-29.

Conditions:
Inborn genetic diseases. Identifiers: MedGen C0950123, MeSH D030342.
Cernunnos-XLF deficiency (IMD124). Also called: NHEJ1 SYNDROME; Severe combined immunodeficiency with sensitivity to ionizing radiation due to NHEJ1 deficiency; SCID, autosomal recessive, T cell-negative, B cell-negative, NK cell-positive, and sensitivity to ionizing radiation due to NHEJ1 deficiency; IMMUNODEFICIENCY 124, SEVERE COMBINED; SCID, AUTOSOMAL RECESSIVE, T CELL-NEGATIVE, B CELL-NEGATIVE, NK CELL-POSITIVE, WITH MICROCEPHALY, GROWTH RETARDATION, AND SENSITIVITY TO IONIZING RADIATION. Identifiers: Orphanet 169079, MedGen C1969799, MONDO:0012650, OMIM 611291.

Allele frequency attached by ClinVar (database versions not stated): gnomAD exomes below 0.00001; gnomAD 0.00001.

Submissions (2):

Ambry Genetics
Classification: Uncertain significance for Inborn genetic diseases. Last evaluated: 2024-08-29. Review status: criteria provided, single submitter. Criteria: Ambry Variant Classification Scheme 2023. Collection method: clinical testing. Allele origin: germline.

Labcorp Genetics (formerly Invitae), Labcorp
Classification: Uncertain significance for Cernunnos-XLF deficiency. Last evaluated: 2022-10-02. Review status: criteria provided, single submitter. Criteria: Invitae Variant Classification Sherloc (09022015). Collection method: clinical testing. Allele origin: germline.
Comment: This sequence change replaces valine, which is neutral and non-polar, with isoleucine, which is neutral and non-polar, at codon 261 of the NHEJ1 protein (p.Val261Ile). This variant is not present in population databases (gnomAD no frequency). This variant has not been reported in the literature in individuals affected with NHEJ1-related conditions. Advanced modeling of protein sequence and biophysical properties (such as structural, functional, and spatial information, amino acid conservation, physicochemical variation, residue mobility, and thermodynamic stability) performed at Invitae indicates that this missense variant is not expected to disrupt NHEJ1 protein function. In summary, the available evidence is currently insufficient to determine the role of this variant in disease. Therefore, it has been classified as a Variant of Uncertain Significance.

NM_024782.3(NHEJ1):c.781G>A (p.Val261Ile)

Genes: NHEJ1 (non-homologous end joining factor 1; minus strand), LOC126806516 (BRD4-independent group 4 enhancer GRCh37_chr2:219941606-219942805; plus strand). Cytogenetic location: 2q35.
Variant type: single nucleotide variant.
Coding change: c.781G>A on transcript NM_024782.3 (MANE Select); coding-DNA position 781, G replaced by A.
Protein change: p.Val261Ile; replaces valine 261 with isoleucine.
Molecular consequence: missense variant. On other transcripts: non-coding transcript variant (1).
Genome position (GRCh38, 1-based): chr2:219,077,290, C>T on the plus strand (G>A on the coding strand, the complement: NHEJ1 is on the minus strand). VCF-style: chr2-219077290-C-T. GRCh37 (hg19) VCF-style: chr2-219942012-C-T.
Other names: c.781G>A, p.Val261Ile (NM_001377498.1); c.796G>A, p.Val266Ile (NM_001377499.1); short protein forms V261I, V266I.
Identifiers: ClinVar variation 2198948 (VCV002198948.2), dbSNP rs963528619, ClinGen allele CA65961490.